The following is an entry in ClinVar:

ClinVar aggregate classification (germline): Uncertain significance (1 of 4 stars; one submission).

Conditions:
NCOA1-related disorder. Also called: NCOA1-related condition.

gnomAD v4.1: 2 of 1,614,196 alleles (0.00012%); highest among the groups gnomAD compares: Non-Finnish European, 0.00017%; no homozygotes.

Submission:

PreventionGenetics, part of Exact Sciences
Classification: Uncertain significance for NCOA1-related condition. Last evaluated: 2024-12-02. Review status: criteria provided, single submitter. Criteria: ACMG Guidelines, 2015. Collection method: clinical testing. Allele origin: germline.
Comment: The NCOA1 c.2999C>G variant is predicted to result in the amino acid substitution p.Pro1000Arg. To our knowledge, this variant has not been reported in the literature or in a large population database (gnomAD), indicating this variant is rare. At this time, the clinical significance of this variant is uncertain due to the absence of conclusive functional and genetic evidence.

NM_003743.5(NCOA1):c.2999C>G (p.Pro1000Arg)

Gene: NCOA1 (nuclear receptor coactivator 1; plus strand). Cytogenetic location: 2p23.3.
Variant type: single nucleotide variant.
Coding change: c.2999C>G on transcript NM_003743.5 (MANE Select); coding-DNA position 2999, C replaced by G.
Protein change: p.Pro1000Arg; replaces proline 1000 with arginine.
Molecular consequence: missense variant.
Genome position (GRCh38, 1-based): chr2:24,729,613, C>G. VCF-style: chr2-24729613-C-G. GRCh37 (hg19) VCF-style: chr2-24952482-C-G.
Other names: c.2999C>G, p.Pro1000Arg (NM_001362950.1, NM_001362952.1, NM_001362954.1 and 3 more transcripts); short protein forms P1000R.
Identifiers: ClinVar variation 4997625 (VCV004997625.1).
Genomic context (GRCh38, chr2:24,729,613, plus strand): 5'-CACCTTTGATCATGGAAGAAAGACCCAACCTTTATTCCCAGCCTTACTCTTCTCCTTCTC[C>G]TACTGCCAATCTCCCTAGCCCTTTCCAAGGCATGGTCAGGCAAAAACCTTCACTGGGGAC-3'
Protein context (NP_003734.3, residues 990-1010): LYSQPYSSPS[Pro1000Arg]TANLPSPFQG